The following is an entry in ClinVar:

ClinVar aggregate classification (germline): Uncertain significance (1 of 4 stars; one submission).

Allele frequency attached by ClinVar (database versions not stated): TOPMed below 0.00001; gnomAD exomes 0.00001; ExAC 0.00007.
gnomAD v4.1: 15 of 1,612,564 alleles (0.00093%); highest among the groups gnomAD compares: Admixed American, 0.025%; no homozygotes.

Submission:

Labcorp Genetics (formerly Invitae), Labcorp
Classification: Uncertain significance. Last evaluated: 2026-01-21. Review status: criteria provided, single submitter. Criteria: Invitae Variant Classification Sherloc (09022015). Collection method: clinical testing. Allele origin: germline.
Comment: This sequence change replaces proline, which is neutral and non-polar, with serine, which is neutral and polar, at codon 2969 of the HMCN1 protein (p.Pro2969Ser). This variant is present in population databases (rs769700569, gnomAD 0.04%). This variant has not been reported in the literature in individuals affected with HMCN1-related conditions. ClinVar contains an entry for this variant (Variation ID: 2063819). An algorithm developed to predict the effect of missense changes on protein structure and function (PolyPhen-2) suggests that this variant is likely to be disruptive. In summary, the available evidence is currently insufficient to determine the role of this variant in disease. Therefore, it has been classified as a Variant of Uncertain Significance.

NM_031935.3(HMCN1):c.8905C>T (p.Pro2969Ser)

Gene: HMCN1 (hemicentin 1; plus strand). Cytogenetic location: 1q31.1.
Variant type: single nucleotide variant.
Coding change: c.8905C>T on transcript NM_031935.3 (MANE Select); coding-DNA position 8905, C replaced by T.
Protein change: p.Pro2969Ser; replaces proline 2969 with serine.
Molecular consequence: missense variant.
Genome position (GRCh38, 1-based): chr1:186,086,266, C>T. VCF-style: chr1-186086266-C-T. GRCh37 (hg19) VCF-style: chr1-186055398-C-T.
Other names: short protein forms P2969S.
Identifiers: ClinVar variation 2063819 (VCV002063819.4), dbSNP rs769700569, ClinGen allele CA1293267.
Genomic context (GRCh38, chr1:186,086,266, plus strand): 5'-ATAACACCTGCTTTCACTTTTAATATATTTACTATTATAGTTCCTCCAAGTGTCATTGGT[C>T]CTAAATCTGAAAATCTTACCGTCGTGGTGAACAATTTCATCTCTTTGACCTGTGAGGTCT-3'
Protein context (NP_114141.2, residues 2959-2979): NVHVPPSVIG[Pro2969Ser]KSENLTVVVN